The following is an entry in ClinVar:

ClinVar aggregate classification (germline): Pathogenic (1 of 4 stars; one submission).

Submission:

ISCA site 4
Classification: Pathogenic. Last evaluated: 2011-08-12. Review status: criteria provided, single submitter. Criteria: Kaminsky et al. (Genet Med. 2011). Collection method: clinical testing. Allele origin: unknown. Affected: yes. Observed: 1 variant allele.
Comment: Copy number variation identified through the course of routine clinical cytogenomic testing in postnatal populations. Clinical assertions have been curated as described in Kaminsky et al. 2011.

GRCh38/hg38 7q11.23(chr7:73352304-74924037)x1

Genes: ABHD11 (abhydrolase domain containing 11; minus strand), ABHD11-AS1 (ABHD11 antisense RNA 1 (tail to tail); plus strand), BAZ1B (bromodomain adjacent to zinc finger domain 1B; minus strand), BCL7B (BAF chromatin remodeling complex subunit BCL7B; minus strand), BUD23 (BUD23 rRNA methyltransferase and ribosome maturation factor; plus strand) and 129 more. Cytogenetic location: 7q11.23.
Variant type: copy number loss.
Change: copy number 1 (one copy instead of two) of chr7:73,352,304-74,924,037 (1.57 Mb, GRCh38 coordinates, 1-based), cytogenetic band 7q11.23.
Identifiers: ClinVar variation 160823 (VCV000160823.1).